The following is an entry in ClinVar:

NM_003482.4(KMT2D):c.14382+5G>A

Gene: KMT2D (lysine methyltransferase 2D; minus strand). Cytogenetic location: 12q13.12.
Variant type: single nucleotide variant.
Coding change: c.14382+5G>A on transcript NM_003482.4 (MANE Select); 5 bases into the intron after coding-DNA position 14382, G replaced by A.
Molecular consequence: intron variant.
Genome position (GRCh38, 1-based): chr12:49,028,823, C>T on the plus strand (G>A on the coding strand, the complement: KMT2D is on the minus strand). VCF-style: chr12-49028823-C-T. GRCh37 (hg19) VCF-style: chr12-49422606-C-T.
Identifiers: ClinVar variation 849564 (VCV000849564.8), dbSNP rs1942743221, ClinGen allele CA645594465.
Genomic context (GRCh38, chr12:49,028,823, plus strand): 5'-GACAAATTCCAGGGACTGCCCTCTGATCAGGTTCCCCTCAGCCTCGAGGTACCCCTAGGA[C>T]ACACCTTGGCTGCAGCAGCAGAGACTGTGAGCATGACTGACACCTCACTTCCTTTGCCCT-3'

ClinVar aggregate classification (germline): Uncertain significance (1 of 4 stars; one submission).

Conditions:
Kabuki syndrome. Also called: NIIKAWA-KUROKI SYNDROME; Kabuki make-up syndrome. Identifiers: Orphanet 2322, MedGen C0796004, MONDO:0016512.

Submission:

Labcorp Genetics (formerly Invitae), Labcorp
Classification: Uncertain significance for Kabuki syndrome. Last evaluated: 2019-04-04. Review status: criteria provided, single submitter. Criteria: Invitae Variant Classification Sherloc (09022015). Collection method: clinical testing. Allele origin: germline.
Comment: This variant has not been reported in the literature in individuals with KMT2D-related conditions. Nucleotide substitutions within the consensus splice site are a relatively common cause of aberrant splicing (PMID: 17576681, 9536098). Algorithms developed to predict the effect of sequence changes on RNA splicing suggest that this variant may disrupt the consensus splice site, but this prediction has not been confirmed by published transcriptional studies. In summary, the available evidence is currently insufficient to determine the role of this variant in disease. Therefore, it has been classified as a Variant of Uncertain Significance. This variant is not present in population databases (ExAC no frequency). This sequence change falls in intron 45 of the KMT2D gene. It does not directly change the encoded amino acid sequence of the KMT2D protein, but it affects a nucleotide within the consensus splice site of the intron.

Literature cited by the submitters: PubMed 17576681; PubMed 9536098.